The following is an entry in ClinVar:

ClinVar aggregate classification (germline): Likely pathogenic (1 of 4 stars; one submission).

Conditions:
Combined immunodeficiency due to MALT1 deficiency. Also called: Immunodeficiency 12. Identifiers: Orphanet 397964, MedGen C3809583, MONDO:0014197, OMIM 615468.

Allele frequency attached by ClinVar (database versions not stated): gnomAD exomes below 0.00001; TOPMed below 0.00001; ExAC 0.00001; gnomAD 0.00001; ESP Exome Variant Server 0.00008.
gnomAD v4.1: 1 of 1,584,750 alleles (0.000063%); highest among the groups gnomAD compares: Non-Finnish European, 0.000086%; no homozygotes.

Submission:

Labcorp Genetics (formerly Invitae), Labcorp
Classification: Likely pathogenic for Combined immunodeficiency due to MALT1 deficiency. Last evaluated: 2024-10-29. Review status: criteria provided, single submitter. Criteria: Invitae Variant Classification Sherloc (09022015). Collection method: clinical testing. Allele origin: germline.
Comment: This sequence change affects an acceptor splice site in intron 6 of the MALT1 gene. It is expected to disrupt RNA splicing. Variants that disrupt the donor or acceptor splice site typically lead to a loss of protein function (PMID: 16199547), and loss-of-function variants in MALT1 are known to be pathogenic (PMID: 23727036, 25627829). The frequency data for this variant in the population databases is considered unreliable, as metrics indicate poor data quality at this position in the gnomAD database. This variant has not been reported in the literature in individuals affected with MALT1-related conditions. ClinVar contains an entry for this variant (Variation ID: 1497535). Algorithms developed to predict the effect of sequence changes on RNA splicing suggest that this variant may disrupt the consensus splice site. In summary, the currently available evidence indicates that the variant is pathogenic, but additional data are needed to prove that conclusively. Therefore, this variant has been classified as Likely Pathogenic.

Literature cited by the submitters: PubMed 16199547; PubMed 23727036; PubMed 25627829.

NM_006785.4(MALT1):c.926-1G>A

Gene: MALT1 (MALT1 paracaspase; plus strand). Cytogenetic location: 18q21.32.
Variant type: single nucleotide variant.
Coding change: c.926-1G>A on transcript NM_006785.4 (MANE Select); the canonical splice acceptor site of the intron before coding-DNA position 926, G replaced by A.
Molecular consequence: splice acceptor variant. On other transcripts: intron variant (1).
Genome position (GRCh38, 1-based): chr18:58,710,920, G>A. VCF-style: chr18-58710920-G-A. GRCh37 (hg19) VCF-style: chr18-56378152-G-A.
Other names: c.925+848G>A (NM_173844.3).
Identifiers: ClinVar variation 1497535 (VCV001497535.6), dbSNP rs143682914, ClinGen allele CA8977756.